The following is an entry in ClinVar:

ClinVar aggregate classification (germline): Uncertain significance (0 of 4 stars; one submission).

Conditions:
SEMA3G-related disorder. Also called: SEMA3G-related condition.

Submission:

PreventionGenetics, part of Exact Sciences
Classification: Uncertain significance for SEMA3G-related condition. Last evaluated: 2024-09-18. Review status: no assertion criteria provided. Collection method: clinical testing. Allele origin: germline.
Comment: The SEMA3G c.218G>A variant is predicted to result in the amino acid substitution p.Gly73Asp. To our knowledge, this variant has not been reported in the literature. This variant is reported in 0.0% of alleles in individuals of African descent in gnomAD. At this time, the clinical significance of this variant is uncertain due to the absence of conclusive functional and genetic evidence.

NM_020163.3(SEMA3G):c.218G>A (p.Gly73Asp)

Gene: SEMA3G (semaphorin 3G; minus strand). Cytogenetic location: 3p21.1.
Variant type: single nucleotide variant.
Coding change: c.218G>A on transcript NM_020163.3 (MANE Select); coding-DNA position 218, G replaced by A.
Protein change: p.Gly73Asp; replaces glycine 73 with aspartic acid.
Molecular consequence: missense variant.
Genome position (GRCh38, 1-based): chr3:52,442,805, C>T on the plus strand (G>A on the coding strand, the complement: SEMA3G is on the minus strand). VCF-style: chr3-52442805-C-T. GRCh37 (hg19) VCF-style: chr3-52476821-C-T.
Other names: short protein forms G73D.
Identifiers: ClinVar variation 3357230 (VCV003357230.1).